The following is an entry in ClinVar:

ClinVar aggregate classification (germline): Uncertain significance (1 of 4 stars; one submission).

Conditions:
Emery-Dreifuss muscular dystrophy 5, autosomal dominant (EDMD5). Also called: EMERY-DREIFUSS MUSCULAR DYSTROPHY 5. Identifiers: Orphanet 261, MedGen C2751805, MONDO:0013072, OMIM 612999.

gnomAD v4.1: 7 of 1,613,784 alleles (0.00043%); highest among the groups gnomAD compares: Non-Finnish European, 0.00051%; no homozygotes.

Submission:

Kariminejad - Najmabadi Pathology & Genetics Center
Classification: Uncertain significance for Emery-Dreifuss muscular dystrophy 5, autosomal dominant. Last evaluated: 2022-11-07. Review status: criteria provided, single submitter. Criteria: ACMG Guidelines, 2015. Collection method: clinical testing. Allele origin: germline. Inheritance: Autosomal dominant inheritance. Affected: yes.
Comment: PM2, PP3

NM_182914.3(SYNE2):c.19024C>T (p.Arg6342Trp)

Gene: SYNE2 (spectrin repeat containing nuclear envelope protein 2; plus strand). Cytogenetic location: 14q23.2.
Variant type: single nucleotide variant.
Coding change: c.19024C>T on transcript NM_182914.3 (MANE Select); coding-DNA position 19024, C replaced by T.
Protein change: p.Arg6342Trp; replaces arginine 6342 with tryptophan.
Molecular consequence: missense variant.
Genome position (GRCh38, 1-based): chr14:64,212,973, C>T. VCF-style: chr14-64212973-C-T. GRCh37 (hg19) VCF-style: chr14-64679691-C-T.
Other names: c.19024C>T, p.Arg6342Trp (NM_015180.6); short protein forms R6342W.
Identifiers: ClinVar variation 3897037 (VCV003897037.1).